The following is an entry in ClinVar:

NM_001378454.1(ALMS1):c.665C>T (p.Ala222Val)

Gene: ALMS1 (ALMS1 centrosome and basal body associated protein; plus strand). Cytogenetic location: 2p13.1.
Variant type: single nucleotide variant.
Coding change: c.665C>T on transcript NM_001378454.1 (MANE Select); coding-DNA position 665, C replaced by T.
Protein change: p.Ala222Val; replaces alanine 222 with valine.
Molecular consequence: missense variant.
Genome position (GRCh38, 1-based): chr2:73,422,875, C>T. VCF-style: chr2-73422875-C-T. GRCh37 (hg19) VCF-style: chr2-73650003-C-T.
Other names: c.668C>T, p.Ala223Val (NM_015120.4); short protein forms A222V, A223V.
Identifiers: ClinVar variation 1958788 (VCV001958788.5), dbSNP rs1671310439, ClinGen allele CA347259983.
Genomic context (GRCh38, chr2:73,422,875, plus strand): 5'-ATTTTCAGCATTACCCAGCATTTAATATTTGAAACTTTACAGTCATACAAGATAGCTTTG[C>T]TTCTCCTGATTTGCCTTTGCTGACCTGTTTGACACAAGACCAAGAATTTGCGCCTGATTC-3'
Protein context (NP_001365383.1, residues 212-232): SPLLVIQDSF[Ala222Val]SPDLPLLTCL

ClinVar aggregate classification (germline): Uncertain significance (1 of 4 stars; one submission).

Conditions:
Alstrom syndrome (ALMS). Identifiers: Orphanet 64, MedGen C0268425, MONDO:0008763, OMIM 203800.

Submission:

Labcorp Genetics (formerly Invitae), Labcorp
Classification: Uncertain significance for Alstrom syndrome. Last evaluated: 2022-07-13. Review status: criteria provided, single submitter. Criteria: Invitae Variant Classification Sherloc (09022015). Collection method: clinical testing. Allele origin: germline.
Comment: This sequence change replaces alanine, which is neutral and non-polar, with valine, which is neutral and non-polar, at codon 223 of the ALMS1 protein (p.Ala223Val). This variant is not present in population databases (gnomAD no frequency). This variant has not been reported in the literature in individuals affected with ALMS1-related conditions. Experimental studies and prediction algorithms are not available or were not evaluated, and the functional significance of this variant is currently unknown. In summary, the available evidence is currently insufficient to determine the role of this variant in disease. Therefore, it has been classified as a Variant of Uncertain Significance.